The following is an entry in ClinVar:

NM_005068.3(SIM1):c.1731A>G (p.Glu577=)

Gene: SIM1 (SIM bHLH transcription factor 1; minus strand). Cytogenetic location: 6q16.3.
Variant type: single nucleotide variant.
Coding change: c.1731A>G on transcript NM_005068.3 (MANE Select); coding-DNA position 1731, A replaced by G.
Protein change: p.Glu577=; no amino-acid change (glutamic acid 577 retained).
Molecular consequence: synonymous variant.
Genome position (GRCh38, 1-based): chr6:100,390,931, T>C on the plus strand (A>G on the coding strand, the complement: SIM1 is on the minus strand). VCF-style: chr6-100390931-T-C. GRCh37 (hg19) VCF-style: chr6-100838807-T-C.
Other names: c.1731A>G, p.Glu577= (NM_001374769.1).
Identifiers: ClinVar variation 3353430 (VCV003353430.1).
Genomic context (GRCh38, chr6:100,390,931, plus strand): 5'-CCCATTAATGGAAGCCAGTTGGTCTGAGGGGGCTTTCCTTAGCTGTAATCTGTTCTCTTC[T>C]TCTTTAATCATTTGCTGAGTGGCTCTTATAAGAGTTTCAATTTTGCTGGGTTCATGTGGG-3'
Protein context (NP_005059.2, residues 567-587): LIRATQQMIK[Glu577=]EENRLQLRKA

ClinVar aggregate classification (germline): Likely benign (0 of 4 stars; one submission).

Conditions:
SIM1-related disorder. Also called: SIM1-related condition; SIM1-related disorders.

gnomAD v4.1: 6 of 1,614,058 alleles (0.00037%); highest among the groups gnomAD compares: Non-Finnish European, 0.00051%; no homozygotes.

Submission:

PreventionGenetics, part of Exact Sciences
Classification: Likely benign for SIM1-related condition. Last evaluated: 2022-03-25. Review status: no assertion criteria provided. Collection method: clinical testing. Allele origin: germline.
Comment: This variant is classified as likely benign based on ACMG/AMP sequence variant interpretation guidelines (Richards et al. 2015 PMID: 25741868, with internal and published modifications).